The following is an entry in ClinVar:

ClinVar aggregate classification (germline): Benign (1 of 4 stars; one submission).

Allele frequency attached by ClinVar (database versions not stated): gnomAD 0.14510 and 0.15140; 1000 Genomes Project 0.15435; TOPMed 0.15736; 1000 Genomes Project 30x 0.16380.
gnomAD v4.1: 21,848 of 151,648 alleles (14%); highest among the groups gnomAD compares: African/African-American, 39%; 3,410 homozygotes.

Submission:

GeneDx
Classification: Benign. Last evaluated: 2018-06-18. Review status: criteria provided, single submitter. Criteria: GeneDx Variant Classification (06012015). Collection method: clinical testing. Allele origin: germline. Affected: yes.
Comment: This variant is considered likely benign or benign based on one or more of the following criteria: it is a conservative change, it occurs at a poorly conserved position in the protein, it is predicted to be benign by multiple in silico algorithms, and/or has population frequency not consistent with disease.

NM_170707.4(LMNA):c.513+274C>G

Genes: LMNA (lamin A/C; plus strand), LOC126805877 (MED14-independent group 3 enhancer GRCh37_chr1:156099693-156100892; plus strand). Cytogenetic location: 1q22.
Variant type: single nucleotide variant.
Coding change: c.513+274C>G on transcript NM_170707.4 (MANE Select); 274 bases into the intron after coding-DNA position 513, C replaced by G.
Molecular consequence: intron variant.
Genome position (GRCh38, 1-based): chr1:156,131,047, C>G. VCF-style: chr1-156131047-C-G. GRCh37 (hg19) VCF-style: chr1-156100838-C-G.
Other names: c.513+274C>G (NM_001282625.2, NM_001282626.2, NM_170708.4 and 1 more transcripts); c.177+274C>G (NM_001257374.3); c.270+274C>G (NM_001282624.2).
Identifiers: ClinVar variation 683614 (VCV000683614.1), dbSNP rs480886, ClinGen allele CA10816034.